The following is an entry in ClinVar:

NM_000059.4(BRCA2):c.5648_5650del (p.Lys1883del)

Gene: BRCA2 (BRCA2 DNA repair associated; plus strand). Cytogenetic location: 13q13.1.
Variant type: Deletion.
Coding change: c.5648_5650del on transcript NM_000059.4 (MANE Select); coding-DNA positions 5648 to 5650, 3 bases deleted (AAA; older notation c.5648_5650delAAA).
Protein change: p.Lys1883del; deletes lysine 1883.
Molecular consequence: inframe deletion. On other transcripts: inframe indel (2).
Genome position (GRCh38, 1-based): chr13:32,340,003-32,340,005, AAA deleted; deleting any 3 consecutive bases within chr13:32,340,001-32,340,005 gives the same sequence; the c. name uses the placement nearest the transcript's 3' end. VCF-style (leftmost placement, unchanged base first): chr13-32340000-CAAA-C. GRCh37 (hg19) VCF-style: chr13-32914137-CAAA-C.
Other names: c.5648_5650delAAA, p.Lys1883del (NM_001406719.1, NM_001406720.1); short protein forms K1883del.
Identifiers: ClinVar variation 1748818 (VCV001748818.7), dbSNP rs1555284330, ClinGen allele CA2580087627.

ClinVar aggregate classification (germline): Uncertain significance. Review status: criteria provided, multiple submitters, no conflicts (2 of 4 stars). 2 submissions from 2 submitters: Uncertain significance (2). Last evaluated 2024-06-03.

Conditions:
Hereditary breast ovarian cancer syndrome. Also called: Hereditary breast and ovarian cancer; BRCA1- and BRCA2-Associated Hereditary Breast and Ovarian Cancer; Hereditary breast and ovarian cancer syndrome (HBOC); Hereditary breast and ovarian cancer syndrome; Breast and ovarian cancer; Hereditary breast and/or ovarian cancer syndrome. Identifiers: Orphanet 145, MedGen C0677776, MeSH D061325, MONDO:0003582. Disease mechanism: loss of function.
Hereditary cancer-predisposing syndrome. Also called: Hereditary Cancer Syndrome; Hereditary neoplastic syndrome; Neoplastic Syndromes, Hereditary; Tumor predisposition. Identifiers: Orphanet 140162, MedGen C0027672, MeSH D009386, MONDO:0015356.

Submissions (2):

Labcorp Genetics (formerly Invitae), Labcorp
Classification: Uncertain significance for Hereditary breast ovarian cancer syndrome. Last evaluated: 2024-06-03. Review status: criteria provided, single submitter. Criteria: Invitae Variant Classification Sherloc (09022015). Collection method: clinical testing. Allele origin: germline.
Comment: This variant, c.5648_5650del, results in the deletion of 1 amino acid(s) of the BRCA2 protein (p.Lys1883del), but otherwise preserves the integrity of the reading frame. This variant is not present in population databases (gnomAD no frequency). This variant has not been reported in the literature in individuals affected with BRCA2-related conditions. ClinVar contains an entry for this variant (Variation ID: 1748818). Experimental studies and prediction algorithms are not available or were not evaluated, and the functional significance of this variant is currently unknown. In summary, the available evidence is currently insufficient to determine the role of this variant in disease. Therefore, it has been classified as a Variant of Uncertain Significance.

Ambry Genetics
Classification: Uncertain significance for Hereditary cancer-predisposing syndrome. Last evaluated: 2015-11-05. Review status: criteria provided, single submitter. Criteria: Ambry Variant Classification Scheme 2023. Collection method: clinical testing. Allele origin: germline.
Comment: The c.5648_5650delAAA variant (also known as p.K1883DEL) is located in coding exon 10 of the BRCA2 gene. This variant results from an in-frame deletion of AAA between nucleotide positions 5648 and 5650. The lysine at codon 1883 is deleted. This variant was not reported in population based cohorts in the following databases: Database of Single Nucleotide Polymorphisms (dbSNP), NHLBI Exome Sequencing Project (ESP), and 1000 Genomes Project. In the ESP, this variant was not observed in 6501 samples (13002 alleles) with coverage at this position. To date, this alteration has been detected with an allele frequency of approximately 0.0004% (greater than 225000 alleles tested) in our clinical cohort. Based on protein sequence alignment, this amino acid position is poorly conserved in available vertebrate species. Since supporting evidence is limited at this time, the clinical significance of c.5648_5650delAAA remains unclear.